The following is an entry in ClinVar:

ClinVar aggregate classification (germline): Benign/Likely benign. Review status: criteria provided, multiple submitters, no conflicts (2 of 4 stars). 8 submissions from 8 submitters: Benign (2); Likely benign (2). 4 of the submissions do not count toward it. Last evaluated 2024-11-22.

Conditions:
Hypertrophic cardiomyopathy 1 (CMH1). Also called: Familial hypertrophic cardiomyopathy 1; MYH7-Related Familial Hypertrophic Cardiomyopathy. Identifiers: MedGen C3495498, MONDO:0008647, OMIM 192600.

Allele frequency attached by ClinVar (database versions not stated): 1000 Genomes Project 0.00140; 1000 Genomes Project 30x 0.00156; TOPMed 0.00422; gnomAD 0.00455 and 0.00463; gnomAD exomes 0.00467 and 0.00681; ESP Exome Variant Server 0.00484; ExAC 0.00496.
gnomAD v4.1: 10,536 of 1,613,934 alleles (0.65%); highest among the groups gnomAD compares: Non-Finnish European, 0.81%; 46 homozygotes.

Submissions (8):

Blueprint Genetics
Classification: Likely benign. Last evaluated: 2024-11-22. Review status: criteria provided, single submitter. Criteria: ACMG Guidelines, 2015. Collection method: clinical testing. Allele origin: germline.

Illumina Laboratory Services, Illumina
Classification: Likely benign for Hypertrophic cardiomyopathy 1. Last evaluated: 2018-01-13. Review status: criteria provided, single submitter. Criteria: ICSL Variant Classification Criteria 13 December 2019. Collection method: clinical testing. Allele origin: germline.
Comment: This variant was observed in the ICSL laboratory as part of a predisposition screen in an ostensibly healthy population. It had not been previously curated by ICSL or reported in the Human Gene Mutation Database (HGMD: prior to June 1st, 2018), and was therefore a candidate for classification through an automated scoring system. Utilizing variant allele frequency, disease prevalence and penetrance estimates, and inheritance mode, an automated score was calculated to assess if this variant is too frequent to cause the disease. Based on the score and internal cut-off values, a variant classified as likely benign is not then subjected to further curation. The score for this variant resulted in a classification of likely benign for this disease.

GeneDx
Classification: Benign. Last evaluated: 2015-03-03. Review status: criteria provided, single submitter. Criteria: GeneDx Variant Classification Process June 2021. Collection method: clinical testing. Allele origin: germline. Affected: yes.

PreventionGenetics, part of Exact Sciences
Classification: Benign. Review status: criteria provided, single submitter. Criteria: ACMG Guidelines, 2015. Collection method: clinical testing. Allele origin: germline.

Clinical Genetics, Academic Medical Center
Classification: Benign. Review status: no assertion criteria provided. Collection method: clinical testing. Allele origin: germline. Affected: yes. Study: VKGL Data-share Consensus. Not counted in ClinVar's aggregate classification.

Diagnostic Laboratory, Department of Genetics, University Medical Center Groningen
Classification: Benign. Review status: no assertion criteria provided. Collection method: clinical testing. Allele origin: germline. Affected: yes. Study: VKGL Data-share Consensus. Not counted in ClinVar's aggregate classification.

Genome Diagnostics Laboratory, University Medical Center Utrecht
Classification: Benign. Review status: no assertion criteria provided. Collection method: clinical testing. Allele origin: germline. Affected: yes. Study: VKGL Data-share Consensus. Not counted in ClinVar's aggregate classification.

Joint Genome Diagnostic Labs from Nijmegen and Maastricht, Radboudumc and MUMC+
Classification: Benign. Review status: no assertion criteria provided. Collection method: clinical testing. Allele origin: germline. Affected: yes. Study: VKGL Data-share Consensus. Not counted in ClinVar's aggregate classification.

NM_000257.4(MYH7):c.*20G>A

Gene: MYH7 (myosin heavy chain 7; minus strand). Cytogenetic location: 14q11.2.
Variant type: single nucleotide variant.
Coding change: c.*20G>A on transcript NM_000257.4 (MANE Select); 20 bases downstream of the stop codon, G replaced by A.
Molecular consequence: 3 prime UTR variant.
Genome position (GRCh38, 1-based): chr14:23,412,834, C>T on the plus strand (G>A on the coding strand, the complement: MYH7 is on the minus strand). VCF-style: chr14-23412834-C-T. GRCh37 (hg19) VCF-style: chr14-23882043-C-T.
Identifiers: ClinVar variation 188649 (VCV000188649.17), dbSNP rs45548631, ClinGen allele CA011682.
Genomic context (GRCh38, chr14:23,412,834, plus strand): 5'-TCCCAAGGAGCTGTTACACAGGCTCCAGCATGGGGCTTTGCTGGCACCTCCAGGGCTGAG[C>T]AGATCAAGATGTGGCAAAGCTACTCCTCATTCAAGCCCTTTTGAAAGGAAACAAAGTCCA-3'